The following is an entry in ClinVar:

ClinVar aggregate classification (germline): Uncertain significance (1 of 4 stars; one submission).

gnomAD v4.1: 2 of 1,613,262 alleles (0.00012%); highest among the groups gnomAD compares: South Asian, 0.0022%; no homozygotes.

Submission:

Labcorp Genetics (formerly Invitae), Labcorp
Classification: Uncertain significance. Last evaluated: 2022-08-16. Review status: criteria provided, single submitter. Criteria: Invitae Variant Classification Sherloc (09022015). Collection method: clinical testing. Allele origin: germline.
Comment: This sequence change replaces asparagine, which is neutral and polar, with serine, which is neutral and polar, at codon 2980 of the HMCN1 protein (p.Asn2980Ser). This variant is not present in population databases (gnomAD no frequency). This variant has not been reported in the literature in individuals affected with HMCN1-related conditions. Algorithms developed to predict the effect of missense changes on protein structure and function output the following: SIFT: "Tolerated"; PolyPhen-2: "Benign"; Align-GVGD: "Class C0". The serine amino acid residue is found in multiple mammalian species, which suggests that this missense change does not adversely affect protein function. In summary, the available evidence is currently insufficient to determine the role of this variant in disease. Therefore, it has been classified as a Variant of Uncertain Significance.

NM_031935.3(HMCN1):c.8939A>G (p.Asn2980Ser)

Gene: HMCN1 (hemicentin 1; plus strand). Cytogenetic location: 1q31.1.
Variant type: single nucleotide variant.
Coding change: c.8939A>G on transcript NM_031935.3 (MANE Select); coding-DNA position 8939, A replaced by G.
Protein change: p.Asn2980Ser; replaces asparagine 2980 with serine.
Molecular consequence: missense variant.
Genome position (GRCh38, 1-based): chr1:186,086,300, A>G. VCF-style: chr1-186086300-A-G. GRCh37 (hg19) VCF-style: chr1-186055432-A-G.
Other names: short protein forms N2980S.
Identifiers: ClinVar variation 1716569 (VCV001716569.5), dbSNP rs150226500, ClinGen allele CA343917298.